The following is an entry in ClinVar:

ClinVar aggregate classification (germline): Conflicting classifications of pathogenicity. Review status: criteria provided, conflicting classifications (1 of 4 stars). 4 submissions from 4 submitters: Likely pathogenic (1); Uncertain significance (3). Last evaluated 2025-08-15.

Conditions:
Hereditary cancer-predisposing syndrome. Also called: Neoplastic Syndromes, Hereditary; Hereditary Cancer Syndrome; Tumor predisposition; Hereditary neoplastic syndrome. Identifiers: Orphanet 140162, MedGen C0027672, MeSH D009386, MONDO:0015356.
Familial adenomatous polyposis 2. Also called: COLORECTAL ADENOMATOUS POLYPOSIS, AUTOSOMAL RECESSIVE; ADENOMAS, MULTIPLE COLORECTAL, AUTOSOMAL RECESSIVE; MUTYH-associated polyposis; MUTYH-related attenuated familial adenomatous polyposis; MUTYH Polyposis; Adenomas, multiple colorectal. Identifiers: Orphanet 220460, Orphanet 247798, MedGen C3272841, MONDO:0012041, OMIM 608456.

gnomAD v4.1: 5 of 1,614,196 alleles (0.00031%); highest among the groups gnomAD compares: African/African-American, 0.0013%; no homozygotes.

Submissions (4):

Ambry Genetics
Classification: Likely pathogenic for Hereditary cancer-predisposing syndrome. Last evaluated: 2025-08-15. Review status: criteria provided, single submitter. Criteria: Ambry Variant Classification Scheme 2023. Collection method: clinical testing. Allele origin: germline.
Comment: The p.A190P variant (also known as c.568G>C), located in coding exon 7 of the MUTYH gene, results from a G to C substitution at nucleotide position 568. The alanine at codon 190 is replaced by proline, an amino acid with highly similar properties. In a massively parallel cell-based functional assay testing 7,8-dihydro-8- oxoguanine:adenine (8OG:A) repair activity, a byproduct of oxidative damage, this variant was reported to be non-functional (Hemker SL et al. Am J Hum Genet. Published online July 29, 2025. DOI: 10.1016/j.ajhg.2025.07.005). This amino acid position is highly conserved in available vertebrate species. In addition, this alteration is predicted to be deleterious by in silico analysis. This variant is considered to be rare based on population cohorts in the Genome Aggregation Database (gnomAD). Based on the majority of available evidence to date, this variant is likely to be pathogenic.

Color Diagnostics, LLC DBA Color Health
Classification: Uncertain significance for Hereditary cancer-predisposing syndrome. Last evaluated: 2023-12-05. Review status: criteria provided, single submitter. Criteria: ACMG Guidelines, 2015. Collection method: clinical testing. Allele origin: germline.
Comment: This missense variant replaces alanine with proline at codon 190 of the MUTYH protein. Computational prediction suggests that this variant may have deleterious impact on protein structure and function (internally defined REVEL score threshold >= 0.7, PMID: 27666373). To our knowledge, functional studies have not been reported for this variant. This variant has not been reported in individuals affected with MUTYH-related disorders in the literature. This variant has not been identified in the general population by the Genome Aggregation Database (gnomAD). The available evidence is insufficient to determine the role of this variant in disease conclusively. Therefore, this variant is classified as a Variant of Uncertain Significance.

Labcorp Genetics (formerly Invitae), Labcorp
Classification: Uncertain significance for Familial adenomatous polyposis 2. Last evaluated: 2023-03-13. Review status: criteria provided, single submitter. Criteria: Invitae Variant Classification Sherloc (09022015). Collection method: clinical testing. Allele origin: germline.
Comment: An algorithm developed to predict the effect of missense changes on protein structure and function (PolyPhen-2) suggests that this variant is likely to be disruptive. In summary, the available evidence is currently insufficient to determine the role of this variant in disease. Therefore, it has been classified as a Variant of Uncertain Significance. ClinVar contains an entry for this variant (Variation ID: 630487). This variant has not been reported in the literature in individuals affected with MUTYH-related conditions. This variant is not present in population databases (gnomAD no frequency). This sequence change replaces alanine, which is neutral and non-polar, with proline, which is neutral and non-polar, at codon 190 of the MUTYH protein (p.Ala190Pro).

GeneDx
Classification: Uncertain significance. Last evaluated: 2019-12-23. Review status: criteria provided, single submitter. Criteria: GeneDx Variant Classification Process June 2021. Collection method: clinical testing. Allele origin: germline. Affected: yes.
Comment: Not observed in large population cohorts (Lek 2016); In silico analysis, which includes protein predictors and evolutionary conservation, supports a deleterious effect; Has not been previously published as pathogenic or benign to our knowledge

Literature cited by the submitters: PubMed 40738107 (cited by Ambry Genetics).

NM_001048174.2(MUTYH):c.484G>C (p.Ala162Pro)

Gene: MUTYH (mutY DNA glycosylase; minus strand). Cytogenetic location: 1p34.1.
Variant type: single nucleotide variant.
Coding change: c.484G>C on transcript NM_001048174.2 (MANE Select); coding-DNA position 484, G replaced by C.
Protein change: p.Ala162Pro; replaces alanine 162 with proline.
Molecular consequence: missense variant. On other transcripts: non-coding transcript variant (2).
Genome position (GRCh38, 1-based): chr1:45,332,771, C>G on the plus strand (G>C on the coding strand, the complement: MUTYH is on the minus strand). VCF-style: chr1-45332771-C-G. GRCh37 (hg19) VCF-style: chr1-45798443-C-G.
Other names: c.484G>C, p.Ala162Pro (NM_001048171.2, NM_001048173.2, NM_001293195.2); c.487G>C, p.Ala163Pro (NM_001048172.2); c.568G>C, p.Ala190Pro (NM_001128425.2); c.529G>C, p.Ala177Pro (NM_001293190.2); c.517G>C, p.Ala173Pro (NM_001293191.2); c.208G>C, p.Ala70Pro (NM_001293192.2, NM_001293196.2); c.139G>C, p.Ala47Pro (NM_001350650.2, NM_001350651.2); c.559G>C, p.Ala187Pro (NM_012222.3); short protein forms A190P, A163P, A173P, A70P, A162P, A47P, A177P, A187P.
Identifiers: ClinVar variation 630487 (VCV000630487.19), dbSNP rs764458059, ClinGen allele CA21838704.
Genomic context (GRCh38, chr1:45,332,771, plus strand): 5'-ATTATAAGACACCCAAGACTCCTGGGTTCCTACCCTCCTGCCATCCCCTTACCTTCCGAG[C>G]TCCCTCCTGCAGCCGCCGGCCACGAGAATAGTAGCCCAGGCCAGCCCAGAGTTGATTCAC-3'
Protein context (NP_001041639.1, residues 152-172): YSRGRRLQEG[Ala162Pro]RKVVEELGGH